The following is an entry in ClinVar:

ClinVar aggregate classification (germline): Pathogenic (1 of 4 stars; one submission).

Conditions:
Short-rib thoracic dysplasia 10 with or without polydactyly (SRTD10). Identifiers: Orphanet 474, MedGen C3810175, MONDO:0014284, OMIM 615630.
Retinitis pigmentosa 71 (RP71). Identifiers: Orphanet 791, MedGen C4225342, MONDO:0014618, OMIM 616394.

Allele frequency attached by ClinVar (database versions not stated): gnomAD exomes below 0.00001; TOPMed below 0.00001.

Submission:

Labcorp Genetics (formerly Invitae), Labcorp
Classification: Pathogenic for Retinitis pigmentosa 71; Short-rib thoracic dysplasia 10 with or without polydactyly. Last evaluated: 2018-03-20. Review status: criteria provided, single submitter. Criteria: Invitae Variant Classification Sherloc (09022015). Collection method: clinical testing. Allele origin: germline.
Comment: For these reasons, this variant has been classified as Pathogenic. Loss-of-function variants in IFT172 are known to be pathogenic (PMID: 25168386, 26763875, 24140113). This variant has not been reported in the literature in individuals with IFT172-related disease. This variant is not present in population databases (ExAC no frequency). This sequence change creates a premature translational stop signal (p.Arg271*) in the IFT172 gene. It is expected to result in an absent or disrupted protein product.

Literature cited by the submitters: PubMed 25168386; PubMed 26763875; PubMed 24140113.

NM_015662.3(IFT172):c.811C>T (p.Arg271Ter)

Gene: IFT172 (intraflagellar transport 172; minus strand). Cytogenetic location: 2p23.3.
Variant type: single nucleotide variant.
Coding change: c.811C>T on transcript NM_015662.3 (MANE Select); coding-DNA position 811, C replaced by T.
Protein change: p.Arg271Ter; replaces arginine 271 with a stop codon.
Molecular consequence: nonsense.
Genome position (GRCh38, 1-based): chr2:27,480,124, G>A on the plus strand (C>T on the coding strand, the complement: IFT172 is on the minus strand). VCF-style: chr2-27480124-G-A. GRCh37 (hg19) VCF-style: chr2-27702991-G-A.
Other names: short protein forms R271*.
Identifiers: ClinVar variation 579128 (VCV000579128.6), dbSNP rs1250676888, ClinGen allele CA346397376.
Genomic context (GRCh38, chr2:27,480,124, plus strand): 5'-CAGTGATGGTGTATAAATTGGTAATCTCCTTGGGCTTTGCCTCTTCCCAGATGCTTCTTC[G>A]AGGGATCCAGTTGAACACCCGAAGCCTGAAATAAAGTATGTGGCTTTTAGAAGAGATTGA-3'